The following is an entry in ClinVar:

ClinVar aggregate classification (germline): Conflicting classifications of pathogenicity. Review status: criteria provided, conflicting classifications (1 of 4 stars). 10 submissions from 9 submitters: Uncertain significance (5); Benign (1); Likely benign (4). Last evaluated 2026-01-30.

Conditions:
ELN-related disorder.
Cutis laxa, autosomal dominant 1 (ADCL1). Also called: ELN-Related Cutis Laxa. Identifiers: Orphanet 90348, MedGen C3276539, MONDO:0007411, OMIM 123700. Disease mechanism: Dominant Negative.
Williams syndrome (WBS). Also called: WILLIAMS-BEUREN SYNDROME; CHROMOSOME 7q11.23 DELETION SYNDROME, 1.5- TO 1.8-MB. Identifiers: Orphanet 904, MedGen C0175702, MONDO:0008678, OMIM 194050. Disease mechanism: loss of function.
Supravalvar aortic stenosis (SVAS). Also called: Supravalvar aortic stenosis, Eisenberg type. Identifiers: Orphanet 3193, MedGen C0003499, MONDO:0008504, OMIM 185500, HP:0004381.

Allele frequency attached by ClinVar (database versions not stated): ExAC 0.00028; gnomAD exomes 0.00029 and 0.00043; gnomAD 0.00032 and 0.00034; TOPMed 0.00036; ESP Exome Variant Server 0.00046.
gnomAD v4.1: 674 of 1,614,062 alleles (0.042%); highest among the groups gnomAD compares: Non-Finnish European, 0.055%; no homozygotes.

Submissions (10):

Labcorp Genetics (formerly Invitae), Labcorp
Classification: Uncertain significance for Supravalvar aortic stenosis. Last evaluated: 2026-01-30. Review status: criteria provided, single submitter. Criteria: Invitae Variant Classification Sherloc (09022015). Collection method: clinical testing. Allele origin: germline.
Comment: This sequence change replaces glycine, which is neutral and non-polar, with valine, which is neutral and non-polar, at codon 216 of the ELN protein (p.Gly216Val). This variant is present in population databases (rs145612009, gnomAD 0.06%), and has an allele count higher than expected for a pathogenic variant. This variant has not been reported in the literature in individuals affected with ELN-related conditions. ClinVar contains an entry for this variant (Variation ID: 213192). Invitae Evidence Modeling of protein sequence and biophysical properties (such as structural, functional, and spatial information, amino acid conservation, physicochemical variation, residue mobility, and thermodynamic stability) indicates that this missense variant is not expected to disrupt ELN protein function with a negative predictive value of 80%. In summary, the available evidence is currently insufficient to determine the role of this variant in disease. Therefore, it has been classified as a Variant of Uncertain Significance.

GeneDx
Classification: Uncertain significance. Last evaluated: 2025-10-21. Review status: criteria provided, single submitter. Criteria: GeneDx Variant Classification Process June 2021. Collection method: clinical testing. Allele origin: germline. Affected: yes.
Comment: Reported in two German individuals with a dilated aortic root and a biscuspid aortic valve (PMID: 28387797); however, it is unclear which reference transcript was used in this study and whether this represents the same variant identified here due to discrepant c. nomenclature provided (c.515G>T); In silico analysis supports that this missense variant has a deleterious effect on protein structure/function; This variant is associated with the following publications: (PMID: 25256751, 28387797, 19029017)

PreventionGenetics, part of Exact Sciences
Classification: Likely benign for ELN-related condition. Last evaluated: 2024-11-27. Review status: criteria provided, single submitter. Criteria: ACMG Guidelines, 2015. Collection method: clinical testing. Allele origin: germline.
Comment: This variant is classified as likely benign based on ACMG/AMP sequence variant interpretation guidelines (Richards et al. 2015 PMID: 25741868, with internal and published modifications).

Revvity Omics, Revvity
Classification: Uncertain significance. Last evaluated: 2024-11-04. Review status: criteria provided, single submitter. Criteria: ACMG Guidelines, 2015. Collection method: clinical testing. Allele origin: germline.

Blueprint Genetics
Classification: Likely benign. Last evaluated: 2024-10-07. Review status: criteria provided, single submitter. Criteria: ACMG Guidelines, 2015. Collection method: clinical testing. Allele origin: germline.

CeGaT Center for Human Genetics Tuebingen
Classification: Likely benign. Last evaluated: 2024-08-01. Review status: criteria provided, single submitter. Criteria: CeGaT Center For Human Genetics Tuebingen Variant Classification Criteria Version 2. Collection method: clinical testing. Allele origin: germline. Affected: yes. Observed: 1 variant allele.
Comment: ELN: BS2

Fulgent Genetics
Classification: Uncertain significance for Cutis laxa, autosomal dominant 1; Supravalvar aortic stenosis; Williams syndrome. Last evaluated: 2018-10-31. Review status: criteria provided, single submitter. Criteria: ACMG Guidelines, 2015. Collection method: clinical testing. Allele origin: unknown.

Eurofins Ntd Llc (ga)
Classification: Uncertain significance. Last evaluated: 2017-07-13. Review status: criteria provided, single submitter. Criteria: EGL Classification Definitions 2015. Collection method: clinical testing. Allele origin: germline. Observed: 2 variant alleles, 2 heterozygotes.

Illumina Laboratory Services, Illumina
Classification: Benign for Cutis laxa, autosomal dominant 1. Last evaluated: 2017-04-27. Review status: criteria provided, single submitter. Criteria: ICSL Variant Classification Criteria 13 December 2019. Collection method: clinical testing. Allele origin: germline.
Comment: This variant was observed as part of a predisposition screen in an ostensibly healthy population. A literature search was performed for the gene, cDNA change, and amino acid change (where applicable). Publications were found based on this search. The evidence from the literature, in combination with allele frequency data from public databases where available, was sufficient to rule this variant out of causing disease. Therefore, this variant is classified as benign.

Illumina Laboratory Services, Illumina
Classification: Likely benign for Supravalvar aortic stenosis. Last evaluated: 2017-04-27. Review status: criteria provided, single submitter. Criteria: ICSL Variant Classification Criteria 13 December 2019. Collection method: clinical testing. Allele origin: germline.
Comment: This variant was observed as part of a predisposition screen in an ostensibly healthy population. A literature search was performed for the gene, cDNA change, and amino acid change (where applicable). No publications were found based on this search. Allele frequency data from public databases allowed determination this variant is unlikely to cause disease. Therefore, this variant is classified as likely benign.

Literature cited by the submitters: PubMed 19029017 (cited by Illumina Laboratory Services, Illumina).

NM_000501.4(ELN):c.647G>T (p.Gly216Val)

Gene: ELN (elastin; plus strand). Cytogenetic location: 7q11.23.
Variant type: single nucleotide variant.
Coding change: c.647G>T on transcript NM_000501.4 (MANE Select); coding-DNA position 647, G replaced by T.
Protein change: p.Gly216Val; replaces glycine 216 with valine.
Molecular consequence: missense variant. On other transcripts: intron variant (2).
Genome position (GRCh38, 1-based): chr7:74,047,678, G>T. VCF-style: chr7-74047678-G-T. GRCh37 (hg19) VCF-style: chr7-73462008-G-T.
Other names: p.G216V:GGC>GTC; c.617G>T, p.Gly206Val (NM_001081752.3, NM_001278917.2); c.662G>T, p.Gly221Val (NM_001081753.3, NM_001081754.3); c.647G>T, p.Gly216Val (NM_001081755.3, NM_001278912.2, NM_001278915.2 and 1 more transcripts); c.632G>T, p.Gly211Val (NM_001278914.2); c.515G>T, p.Gly172Val (NM_001278918.2); c.644-464G>T (NM_001278916.2); c.578-464G>T (NM_001278913.2); short protein forms G216V, G172V, G206V, G211V, G221V.
Identifiers: ClinVar variation 213192 (VCV000213192.43), dbSNP rs145612009, ClinGen allele CA324493.